The following is an entry in ClinVar:

ClinVar aggregate classification (germline): Pathogenic (1 of 4 stars; one submission).

Conditions:
Osteogenesis imperfecta type I (OI1). Also called: Lobstein's Disease; Lobstein disease; Classic Non-deforming Osteogenesis Imperfecta with Blue Sclerae; OI, TYPE I; OSTEOGENESIS IMPERFECTA TARDA; OSTEOGENESIS IMPERFECTA WITH BLUE SCLERAE. Identifiers: Orphanet 216796, Orphanet 666, MedGen C0023931, MONDO:0008146, OMIM 166200. Disease mechanism: loss of function.

Submission:

Labcorp Genetics (formerly Invitae), Labcorp
Classification: Pathogenic for Osteogenesis imperfecta type I. Last evaluated: 2024-12-04. Review status: criteria provided, single submitter. Criteria: Invitae Variant Classification Sherloc (09022015). Collection method: clinical testing. Allele origin: germline.
Comment: This sequence change creates a premature translational stop signal (p.Pro192Argfs*14) in the COL1A1 gene. It is expected to result in an absent or disrupted protein product. Loss-of-function variants in COL1A1 are known to be pathogenic (PMID: 7942841, 9295084, 9443882). This variant is not present in population databases (gnomAD no frequency). This variant has not been reported in the literature in individuals affected with COL1A1-related conditions. For these reasons, this variant has been classified as Pathogenic.

Literature cited by the submitters: PubMed 7942841; PubMed 9295084; PubMed 9443882.

NM_000088.4(COL1A1):c.575_579del (p.Pro192fs)

Gene: COL1A1 (collagen type I alpha 1 chain; minus strand). Cytogenetic location: 17q21.33.
Variant type: Deletion.
Coding change: c.575_579del on transcript NM_000088.4 (MANE Select); coding-DNA positions 575 to 579, 5 bases deleted (CCCCT; older notation c.575_579delCCCCT).
Protein change: p.Pro192fs; shifts the reading frame from proline 192.
Molecular consequence: frameshift variant.
Genome position (GRCh38, 1-based): chr17:50,198,170-50,198,174, AGGGG deleted on the plus strand (CCCCT on the coding strand, the reverse complement: COL1A1 is on the minus strand). VCF-style (leftmost placement, unchanged base first): chr17-50198169-CAGGGG-C. GRCh37 (hg19) VCF-style: chr17-48275530-CAGGGG-C.
Other names: short protein forms P192fs.
Identifiers: ClinVar variation 3726658 (VCV003726658.2).
Genomic context (GRCh38, chr17:50,198,169, plus strand): 5'-CTCCAAAAGACCAAAGCCCAAGGAGGCATATGAAGACGTCCTGGATACTCACAGGTGCAC[CAGGGG>C]GGCCAGGGAGACCACGAGGACCAGAGGGACCCTATAGAGGGAGAAGAAAGGGGGGTCATG-3'